The following is an entry in ClinVar:

ClinVar aggregate classification (germline): Uncertain significance (1 of 4 stars; one submission).

Submission:

Women's Health and Genetics/Laboratory Corporation of America, LabCorp
Classification: Uncertain significance. Last evaluated: 2026-02-20. Review status: criteria provided, single submitter. Criteria: LabCorp Variant Classification Summary - May 2015. Collection method: clinical testing. Allele origin: germline.
Comment: Variant summary: ACADVL c.1505T>G (p.Leu502Arg) results in a non-conservative amino acid change in the encoded protein sequence. Algorithms developed to predict the effect of missense changes on protein structure and function are either unavailable or do not agree on the potential impact of this missense change. The variant was absent in 251240 control chromosomes. The available data on variant occurrences in the general population are insufficient to allow any conclusion about variant significance. To our knowledge, no occurrence of c.1505T>G in individuals affected with ACADVL-related conditions and no experimental evidence demonstrating its impact on protein function have been reported. No submitters have cited clinical-significance assessments for this variant to ClinVar. Based on the evidence outlined above, the variant was classified as uncertain significance.

NM_000018.4(ACADVL):c.1505T>G (p.Leu502Arg)

Gene: ACADVL (acyl-CoA dehydrogenase very long chain; plus strand). Cytogenetic location: 17p13.1.
Variant type: single nucleotide variant.
Coding change: c.1505T>G on transcript NM_000018.4 (MANE Select); coding-DNA position 1505, T replaced by G.
Protein change: p.Leu502Arg; replaces leucine 502 with arginine.
Molecular consequence: missense variant.
Genome position (GRCh38, 1-based): chr17:7,224,216, T>G. VCF-style: chr17-7224216-T-G. GRCh37 (hg19) VCF-style: chr17-7127535-T-G.
Other names: c.1439T>G, p.Leu480Arg (NM_001033859.3); c.1574T>G, p.Leu525Arg (NM_001270447.2); c.1277T>G, p.Leu426Arg (NM_001270448.2); short protein forms L426R, L480R, L502R, L525R.
Identifiers: ClinVar variation 4848198 (VCV004848198.1).
Genomic context (GRCh38, chr17:7,224,216, plus strand): 5'-AGGAGCTCTCTGGGCTTGGCAGTGCTCTAAAGAATCCCTTTGGGAATGCTGGCCTCCTGC[T>G]AGGAGAGGCAGGCAAACAGCTGAGGCGGTAGGCTTAGGGCCAGAGCCAGGGGAGGGCAGG-3'
Protein context (NP_000009.1, residues 492-512): KNPFGNAGLL[Leu502Arg]GEAGKQLRRR